The following is an entry in ClinVar:

ClinVar aggregate classification (germline): Pathogenic. Review status: reviewed by expert panel (3 of 4 stars). 10 submissions from 10 submitters: Pathogenic (1). 9 of the submissions do not count toward it. Last evaluated 2017-12-08.

Conditions:
CFTR-related disorder (CFTR-RD). Also called: CFTR-related condition; CFTR-related disorders. Identifiers: MedGen C5924204, MONDO:7770004.
Bronchiectasis with or without elevated sweat chloride 1 (BESC1). Also called: Cystic Fibrosis-Like Syndrome. Identifiers: Orphanet 60033, MedGen C2749757, MONDO:0008887, OMIM 211400.
Cystic fibrosis (CF). Also called: MUCOVISCIDOSIS. Identifiers: Orphanet 586, MedGen C0010674, MONDO:0009061, OMIM 219700. Disease mechanism: loss of function.

Submissions (10):

CFTR2
Classification: Pathogenic for Cystic fibrosis. Last evaluated: 2017-12-08. Review status: reviewed by expert panel. Criteria: Sosnay PR et al. (Nat Genet 2013). Collection method: research. Allele origin: germline. Affected: yes.

Natera, Inc.
Classification: Pathogenic for CFTR-related disorders. Last evaluated: 2025-05-08. Review status: criteria provided, single submitter. Criteria: Natera Variant Classification Schema (03/2026). Collection method: clinical testing. Allele origin: germline. Not counted in ClinVar's aggregate classification.
Comment: The c.274-2A>G variant in CFTR is a canonical splice acceptor site variant predicted to affect pre-mRNA splicing, which may result in an abnormal transcript and altered protein product. This variant is expected to result in nonsense mediated decay, truncation, or a dysfunctional protein product. This variant is rare in the general population with a frequency below the threshold expected for the associated phenotype(s). Another variant at this same site results in an alteration predicted to cause a similar molecular effect has been observed in individual(s) with the associated phenotype. Given the available evidence, this variant is classified as Pathogenic.

Labcorp Genetics (formerly Invitae), Labcorp
Classification: Pathogenic for Cystic fibrosis. Last evaluated: 2024-09-13. Review status: criteria provided, single submitter. Criteria: Invitae Variant Classification Sherloc (09022015). Collection method: clinical testing. Allele origin: germline. Not counted in ClinVar's aggregate classification.
Comment: This sequence change affects an acceptor splice site in intron 3 of the CFTR gene. It is expected to disrupt RNA splicing. Variants that disrupt the donor or acceptor splice site typically lead to a loss of protein function (PMID: 16199547), and loss-of-function variants in CFTR are known to be pathogenic (PMID: 1695717, 7691345, 9725922). This variant is not present in population databases (gnomAD no frequency). Disruption of this splice site has been observed in individual(s) with cystic fibrosis (PMID: 9429141). This variant is also known as 406-2A>G. ClinVar contains an entry for this variant (Variation ID: 53556). Algorithms developed to predict the effect of sequence changes on RNA splicing suggest that this variant may disrupt the consensus splice site. For these reasons, this variant has been classified as Pathogenic.

Women's Health and Genetics/Laboratory Corporation of America, LabCorp
Classification: Pathogenic for Cystic fibrosis. Last evaluated: 2024-08-12. Review status: criteria provided, single submitter. Criteria: LabCorp Variant Classification Summary - May 2015. Collection method: clinical testing. Allele origin: germline. Not counted in ClinVar's aggregate classification.
Comment: Variant summary: CFTR c.274-2A>G is located in a canonical splice-site and is predicted to affect mRNA splicing resulting in a significantly altered protein due to either exon skipping, shortening, or inclusion of intronic material. Variants that disrupt the consensus splice site are a relatively common cause of aberrant splicing and loss of CFTR function. Several computational tools predict a significant impact on normal splicing: Five predict the variant abolishes a 3 acceptor site. Two predict the variant creates a 3 acceptor site. However, these predictions have yet to be confirmed by functional studies. The variant was absent in 250598 control chromosomes. c.274-2A>G has been reported in the literature and in our internal database in multiple homozygous individuals affected with Cystic Fibrosis (el-Harith 1997, Panickar 2016). These data indicate that the variant is very likely to be associated with disease. To our knowledge, no experimental evidence demonstrating an impact on protein function has been reported. ClinVar contains an entry for this variant (Variation ID: 53556). Based on the evidence outlined above, the variant was classified as pathogenic.

Ambry Genetics
Classification: Likely pathogenic for Cystic fibrosis. Last evaluated: 2024-05-28. Review status: criteria provided, single submitter. Criteria: Ambry Variant Classification Scheme 2023. Collection method: clinical testing. Allele origin: germline. Not counted in ClinVar's aggregate classification.
Comment: The c.274-2A>G intronic variant results from an A to G substitution two nucleotides upstream from coding exon 4 in the CFTR gene. Alterations that disrupt the canonical splice site are expected to result in aberrant splicing. In silico splice site analysis predicts that this alteration will weaken the native splice acceptor site. The resulting transcript is predicted to be in-frame and is not expected to trigger nonsense-mediated mRNAdecay; however, direct evidence is unavailable. The exact functional effect of the altered amino acid sequence is unknown; however, the impacted region is critical for protein function (Ambry internal data). This variant is considered to be rare based on population cohorts in the Genome Aggregation Database (gnomAD). This nucleotide position is highly conserved in available vertebrate species. Based on the majority of available evidence to date, this variant is likely to be pathogenic.

Baylor Genetics
Classification: Pathogenic for Bronchiectasis with or without elevated sweat chloride 1. Last evaluated: 2023-04-14. Review status: criteria provided, single submitter. Criteria: ACMG Guidelines, 2015. Collection method: clinical testing. Allele origin: unknown. Not counted in ClinVar's aggregate classification.

3billion
Classification: Pathogenic for Cystic fibrosis. Last evaluated: 2023-02-23. Review status: criteria provided, single submitter. Criteria: ACMG Guidelines, 2015. Collection method: clinical testing. Allele origin: unknown. Affected: yes. Not counted in ClinVar's aggregate classification.
Comment: The variant is not observed in the gnomAD v2.1.1 dataset. This variant was predicted to alter splicing and result in a loss or disruption of normal protein function. Multiple pathogenic loss-of-function variants are reported downstream of the variant. The variant has been reported multiple times as an established pathogenic variant (ClinVar ID: VCV000053556). Therefore, this variant is classified as Pathogenic according to the recommendation of ACMG/AMP guideline.

CFTR-France
Classification: Pathogenic for cystic fibrosis. Last evaluated: 2018-01-29. Review status: criteria provided, single submitter. Criteria: Claustres M et al. (Hum Mutat 2017). Collection method: curation. Allele origin: germline. Affected: yes. Not counted in ClinVar's aggregate classification.

Counsyl
Classification: Pathogenic for Cystic fibrosis. Last evaluated: 2018-04-04. Review status: no assertion criteria provided. Collection method: clinical testing. Allele origin: unknown. Not counted in ClinVar's aggregate classification.

ClinVar Staff, National Center for Biotechnology Information (NCBI)
No classification provided. Condition: CFTR-related disorders. Review status: no classification provided. Collection method: literature only. Allele origin: germline. Affected: yes. Not counted in ClinVar's aggregate classification.

Literature cited by the submitters: PubMed 16199547 (cited by Labcorp Genetics (formerly Invitae), Labcorp); PubMed 1695717 (cited by Labcorp Genetics (formerly Invitae), Labcorp); PubMed 7691345 (cited by Labcorp Genetics (formerly Invitae), Labcorp); PubMed 9725922 (cited by Labcorp Genetics (formerly Invitae), Labcorp); PubMed 9429141 (cited by 4 submitters); PubMed 23420618 (cited by Women's Health and Genetics/Laboratory Corporation of America, LabCorp); PubMed 16617247 (cited by Women's Health and Genetics/Laboratory Corporation of America, LabCorp).

NM_000492.4(CFTR):c.274-2A>G

Gene: CFTR (CF transmembrane conductance regulator; plus strand). Cytogenetic location: 7q31.2.
Variant type: single nucleotide variant.
Coding change: c.274-2A>G on transcript NM_000492.4 (MANE Select); the canonical splice acceptor site of the intron before coding-DNA position 274, A replaced by G.
Molecular consequence: splice acceptor variant.
Genome position (GRCh38, 1-based): chr7:117,530,897, A>G. VCF-style: chr7-117530897-A-G. GRCh37 (hg19) VCF-style: chr7-117170951-A-G.
Identifiers: ClinVar variation 53556 (VCV000053556.19), dbSNP rs397508426, ClinGen allele CA326908.
Genomic context (GRCh38, chr7:117,530,897, plus strand): 5'-TTCTCAGGGTATTTTATGAGAAATAAATGAAATTTAATTTCTCTGTTTTTCCCCTTTTGT[A>G]GGAAGTCACCAAAGCAGTACAGCCTCTCTTACTGGGAAGAATCATAGCTTCCTATGACCC-3'